The following is an entry in ClinVar:

NM_001035.3(RYR2):c.9370G>A (p.Glu3124Lys)

Gene: RYR2 (ryanodine receptor 2; plus strand). Cytogenetic location: 1q43.
Variant type: single nucleotide variant.
Coding change: c.9370G>A on transcript NM_001035.3 (MANE Select); coding-DNA position 9370, G replaced by A.
Protein change: p.Glu3124Lys; replaces glutamic acid 3124 with lysine.
Molecular consequence: missense variant.
Genome position (GRCh38, 1-based): chr1:237,701,980, G>A. VCF-style: chr1-237701980-G-A. GRCh37 (hg19) VCF-style: chr1-237865280-G-A.
Other names: short protein forms E3124K.
Identifiers: ClinVar variation 2774360 (VCV002774360.2), dbSNP rs1234350873, ClinGen allele CA345406286.

ClinVar aggregate classification (germline): Uncertain significance (1 of 4 stars; one submission).

Conditions:
Cardiomyopathy (CMYO). Also called: Cardiomyopathies. Identifiers: Orphanet 167848, MedGen C0878544, MONDO:0004994, HP:0001638. Inheritance: Various modes of inheritance.

Submission:

Color Diagnostics, LLC DBA Color Health
Classification: Uncertain significance for Cardiomyopathy. Last evaluated: 2022-10-11. Review status: criteria provided, single submitter. Criteria: ACMG Guidelines, 2015. Collection method: clinical testing. Allele origin: germline.
Comment: This missense variant replaces glutamic acid with lysine at codon 3124 of the RYR2 protein. Computational prediction suggests that this variant may not impact protein structure and function (internally defined REVEL score threshold <= 0.5, PMID: 27666373). To our knowledge, functional studies have not been reported for this variant. This variant has not been reported in individuals affected with cardiovascular disorders in the literature. This variant has not been identified in the general population by the Genome Aggregation Database (gnomAD). The available evidence is insufficient to determine the role of this variant in disease conclusively. Therefore, this variant is classified as a Variant of Uncertain Significance.